The following is an entry in ClinVar:

NM_002230.4(JUP):c.49C>A (p.Gln17Lys)

Gene: JUP (junction plakoglobin; minus strand). Cytogenetic location: 17q21.2.
Variant type: single nucleotide variant.
Coding change: c.49C>A on transcript NM_002230.4 (MANE Select); coding-DNA position 49, C replaced by A.
Protein change: p.Gln17Lys; replaces glutamine 17 with lysine.
Molecular consequence: missense variant.
Genome position (GRCh38, 1-based): chr17:41,771,806, G>T on the plus strand (C>A on the coding strand, the complement: JUP is on the minus strand). VCF-style: chr17-41771806-G-T. GRCh37 (hg19) VCF-style: chr17-39928058-G-T.
Other names: c.49C>A, p.Gln17Lys (NM_001352773.2, NM_001352774.2, NM_001352775.2 and 3 more transcripts); short protein forms Q17K.
Identifiers: ClinVar variation 1719394 (VCV001719394.5), dbSNP rs782409726, ClinGen allele CA399507207.
Genomic context (GRCh38, chr17:41,771,806, plus strand): 5'-CGGAGGGCACGCAGGTGTTGGCGCCCGAGTGGATACCCGAGTCGTAGGTGTATGTCTGCT[G>T]CCACTCAGTCACCTTGATAGGCTGCTCCATCAGGTTCATCACCTCCATCGTGGCTACTGG-3'
Protein context (NP_002221.1, residues 7-27): MEQPIKVTEW[Gln17Lys]QTYTYDSGIH

ClinVar aggregate classification (germline): Uncertain significance (1 of 4 stars; one submission).

Conditions:
Naxos disease (NXD). Also called: KERATOSIS PALMOPLANTARIS WITH ARRHYTHMOGENIC CARDIOMYOPATHY; MAL DE NAXOS; PALMOPLANTAR KERATODERMA WITH ARRHYTHMOGENIC RIGHT VENTRICULAR CARDIOMYOPATHY AND WOOLLY HAIR; WOOLLY HAIR, PALMOPLANTAR KERATODERMA, AND CARDIAC ABNORMALITIES; CARDIOMYOPATHY, ARRHYTHMOGENIC RIGHT VENTRICULAR, WITH SKIN, HAIR, AND NAIL ABNORMALITIES. Identifiers: Orphanet 34217, MedGen C1832600, MONDO:0011017, OMIM 601214.
Arrhythmogenic right ventricular dysplasia 12. Also called: ARRHYTHMOGENIC RIGHT VENTRICULAR DYSPLASIA, FAMILIAL, 12. Identifiers: MedGen C1969081, MONDO:0012684, OMIM 611528.

Submission:

Labcorp Genetics (formerly Invitae), Labcorp
Classification: Uncertain significance for Arrhythmogenic right ventricular dysplasia 12; Naxos disease. Last evaluated: 2022-09-14. Review status: criteria provided, single submitter. Criteria: Invitae Variant Classification Sherloc (09022015). Collection method: clinical testing. Allele origin: germline.
Comment: This sequence change replaces glutamine, which is neutral and polar, with lysine, which is basic and polar, at codon 17 of the JUP protein (p.Gln17Lys). This variant is not present in population databases (gnomAD no frequency). This variant has not been reported in the literature in individuals affected with JUP-related conditions. Algorithms developed to predict the effect of missense changes on protein structure and function are either unavailable or do not agree on the potential impact of this missense change (SIFT: "Deleterious"; PolyPhen-2: "Benign"; Align-GVGD: "Class C0"). In summary, the available evidence is currently insufficient to determine the role of this variant in disease. Therefore, it has been classified as a Variant of Uncertain Significance.